The following is an entry in ClinVar:

NM_007118.4(TRIO):c.1672C>G (p.Arg558Gly)

Gene: TRIO (trio Rho guanine nucleotide exchange factor; plus strand). Cytogenetic location: 5p15.2.
Variant type: single nucleotide variant.
Coding change: c.1672C>G on transcript NM_007118.4 (MANE Select); coding-DNA position 1672, C replaced by G.
Protein change: p.Arg558Gly; replaces arginine 558 with glycine.
Molecular consequence: missense variant. On other transcripts: non-coding transcript variant (1).
Genome position (GRCh38, 1-based): chr5:14,316,684, C>G. VCF-style: chr5-14316684-C-G. GRCh37 (hg19) VCF-style: chr5-14316793-C-G.
Other names: short protein forms R558G.
Identifiers: ClinVar variation 4088017 (VCV004088017.1).
Genomic context (GRCh38, chr5:14,316,684, plus strand): 5'-CTGGATGTCATCCACGAGGTGCTGCACCACCAGCGGCAGCTGGAGAACATCTGGCAACAC[C>G]GCAAGGTCCGGCTGCATCAGAGGCTGCAGCTGTGTGTTTTCCAGCAGGACGTTCAGCAGG-3'
Protein context (NP_009049.2, residues 548-568): QRQLENIWQH[Arg558Gly]KVRLHQRLQL

ClinVar aggregate classification (germline): Uncertain significance (1 of 4 stars; one submission).

Submission:

GeneDx
Classification: Uncertain significance. Last evaluated: 2025-03-24. Review status: criteria provided, single submitter. Criteria: GeneDx Variant Classification Process June 2021. Collection method: clinical testing. Allele origin: germline. Affected: yes.
Comment: Not observed at significant frequency in large population cohorts (gnomAD); In silico analysis supports that this missense variant has a deleterious effect on protein structure/function; Has not been previously published as pathogenic or benign to our knowledge